The following is an entry in ClinVar:

ClinVar aggregate classification (germline): Uncertain significance (1 of 4 stars; one submission).

Conditions:
Neonatal-onset encephalopathy with rigidity and seizures. Also called: Lethal neonatal spasticity-epileptic encephalopathy syndrome. Identifiers: Orphanet 435845, MedGen C3281029, MONDO:0013784, OMIM 614498.

gnomAD v4.1: 1 of 1,566,010 alleles (0.000064%); highest among the groups gnomAD compares: Non-Finnish European, 0.000087%; no homozygotes.

Submission:

Labcorp Genetics (formerly Invitae), Labcorp
Classification: Uncertain significance for Neonatal-onset encephalopathy with rigidity and seizures. Last evaluated: 2023-12-11. Review status: criteria provided, single submitter. Criteria: Invitae Variant Classification Sherloc (09022015). Collection method: clinical testing. Allele origin: germline.
Comment: This sequence change replaces glycine, which is neutral and non-polar, with arginine, which is basic and polar, at codon 122 of the BRAT1 protein (p.Gly122Arg). This variant is not present in population databases (gnomAD no frequency). This missense change has been observed in individual(s) with clinical features of BRAT1-related conditions (Invitae). ClinVar contains an entry for this variant (Variation ID: 2099538). Advanced modeling of protein sequence and biophysical properties (such as structural, functional, and spatial information, amino acid conservation, physicochemical variation, residue mobility, and thermodynamic stability) performed at Invitae indicates that this missense variant is expected to disrupt BRAT1 protein function with a positive predictive value of 80%. In summary, the available evidence is currently insufficient to determine the role of this variant in disease. Therefore, it has been classified as a Variant of Uncertain Significance.

NM_152743.4(BRAT1):c.364G>C (p.Gly122Arg)

Gene: BRAT1 (BRCA1 associated ATM activator 1; minus strand). Cytogenetic location: 7p22.3.
Variant type: single nucleotide variant.
Coding change: c.364G>C on transcript NM_152743.4 (MANE Select); coding-DNA position 364, G replaced by C.
Protein change: p.Gly122Arg; replaces glycine 122 with arginine.
Molecular consequence: missense variant. On other transcripts: non-coding transcript variant (1), intron variant (1).
Genome position (GRCh38, 1-based): chr7:2,544,975, C>G on the plus strand (G>C on the coding strand, the complement: BRAT1 is on the minus strand). VCF-style: chr7-2544975-C-G. GRCh37 (hg19) VCF-style: chr7-2584609-C-G.
Other names: c.364G>C, p.Gly122Arg (NM_001350626.2); c.-95-1013G>C (NM_001350627.2); short protein forms G122R.
Identifiers: ClinVar variation 2099538 (VCV002099538.4), dbSNP rs368753862, ClinGen allele CA366632885.